The following is an entry in ClinVar:

NM_138713.4(NFAT5):c.3921G>C (p.Met1307Ile)

Gene: NFAT5 (nuclear factor of activated T cells 5; plus strand). Cytogenetic location: 16q22.1.
Variant type: single nucleotide variant.
Coding change: c.3921G>C on transcript NM_138713.4 (MANE Select); coding-DNA position 3921, G replaced by C.
Protein change: p.Met1307Ile; replaces methionine 1307 with isoleucine.
Molecular consequence: missense variant.
Genome position (GRCh38, 1-based): chr16:69,693,746, G>C. VCF-style: chr16-69693746-G-C. GRCh37 (hg19) VCF-style: chr16-69727649-G-C.
Other names: c.3639G>C, p.Met1213Ile (NM_138714.4, NM_173214.3, NM_173215.3); c.3918G>C, p.Met1306Ile (NM_001113178.3); c.3246G>C, p.Met1082Ile (NM_001367709.1); c.3867G>C, p.Met1289Ile (NM_006599.4); short protein forms M1082I, M1213I, M1289I, M1307I, M1306I.
Identifiers: ClinVar variation 4771367 (VCV004771367.1).

ClinVar aggregate classification (germline): Uncertain significance (1 of 4 stars; one submission).

Conditions:
Immunodeficiency. Identifiers: MedGen C0021051, MONDO:0021094, HP:0002721.

Submission:

Labcorp Genetics (formerly Invitae), Labcorp
Classification: Uncertain significance for Immunodeficiency. Last evaluated: 2025-08-31. Review status: criteria provided, single submitter. Criteria: Invitae Variant Classification Sherloc (09022015). Collection method: clinical testing. Allele origin: germline.
Comment: This sequence change replaces methionine, which is neutral and non-polar, with isoleucine, which is neutral and non-polar, at codon 1213 of the NFAT5 protein (p.Met1213Ile). This variant is present in population databases (no rsID available, gnomAD 0.01%). This variant has not been reported in the literature in individuals affected with NFAT5-related conditions. An algorithm developed to predict the effect of missense changes on protein structure and function (PolyPhen-2) suggests that this variant is likely to be tolerated. In summary, the available evidence is currently insufficient to determine the role of this variant in disease. Therefore, it has been classified as a Variant of Uncertain Significance.